The following is an entry in ClinVar:

NM_003235.5(TG):c.6682T>C (p.Phe2228Leu)

Gene: TG (thyroglobulin; plus strand). Cytogenetic location: 8q24.22.
Variant type: single nucleotide variant.
Coding change: c.6682T>C on transcript NM_003235.5 (MANE Select); coding-DNA position 6682, T replaced by C.
Protein change: p.Phe2228Leu; replaces phenylalanine 2228 with leucine.
Molecular consequence: missense variant.
Genome position (GRCh38, 1-based): chr8:133,017,897, T>C. VCF-style: chr8-133017897-T-C. GRCh37 (hg19) VCF-style: chr8-134030142-T-C.
Other names: short protein forms F2228L.
Identifiers: ClinVar variation 4976000 (VCV004976000.1).

ClinVar aggregate classification (germline): Uncertain significance (1 of 4 stars; one submission).

Submission:

GeneDx
Classification: Uncertain significance. Last evaluated: 2026-02-04. Review status: criteria provided, single submitter. Criteria: GeneDx Variant Classification Process June 2021. Collection method: clinical testing. Allele origin: germline.
Comment: Not observed at significant frequency in large population cohorts (gnomAD); In silico analysis supports that this missense variant has a deleterious effect on protein structure/function; Has not been previously published as pathogenic or benign to our knowledge